The following is an entry in ClinVar:

NM_006947.4(SRP72):c.1349T>C (p.Ile450Thr)

Gene: SRP72 (signal recognition particle 72; plus strand). Cytogenetic location: 4q12.
Variant type: single nucleotide variant.
Coding change: c.1349T>C on transcript NM_006947.4 (MANE Select); coding-DNA position 1349, T replaced by C.
Protein change: p.Ile450Thr; replaces isoleucine 450 with threonine.
Molecular consequence: missense variant. On other transcripts: non-coding transcript variant (1).
Genome position (GRCh38, 1-based): chr4:56,490,361, T>C. VCF-style: chr4-56490361-T-C. GRCh37 (hg19) VCF-style: chr4-57356527-T-C.
Other names: c.1166T>C, p.Ile389Thr (NM_001267722.2); short protein forms I389T, I450T.
Identifiers: ClinVar variation 3801400 (VCV003801400.1).
Genomic context (GRCh38, chr4:56,490,361, plus strand): 5'-AAACTTTTTTTTTCTTTTTATTGAAACTGTAGCCAAAATCTCCTGCTCATTTGTCCTTGA[T>C]AAGAGAAGCTGCAAACTTCAAACTCAAATATGGGCGGAAGAAGGAGGCAATTAGTGACCT-3'
Protein context (NP_008878.3, residues 440-460): QPKSPAHLSL[Ile450Thr]REAANFKLKY

ClinVar aggregate classification (germline): Uncertain significance (1 of 4 stars; one submission).

Submission:

Ambry Genetics
Classification: Uncertain significance. Last evaluated: 2024-12-12. Review status: criteria provided, single submitter. Criteria: Ambry Variant Classification Scheme 2023. Collection method: clinical testing. Allele origin: germline.
Comment: The p.I450T variant (also known as c.1349T>C), located in coding exon 14 of the SRP72 gene, results from a T to C substitution at nucleotide position 1349. The isoleucine at codon 450 is replaced by threonine, an amino acid with similar properties. This amino acid position is conserved. In addition, this alteration is predicted to be tolerated by in silico analysis. Based on the available evidence, the clinical significance of this variant remains unclear.